The following is an entry in ClinVar:

ClinVar aggregate classification (germline): Likely benign. Review status: criteria provided, multiple submitters, no conflicts (2 of 4 stars). 2 submissions from 2 submitters: Likely benign (2). Last evaluated 2025-07-30.

Allele frequency attached by ClinVar (database versions not stated): gnomAD exomes 0.00002; TOPMed 0.00002; gnomAD 0.00003.
gnomAD v4.1: 39 of 1,613,812 alleles (0.0024%); highest among the groups gnomAD compares: Non-Finnish European, 0.0032%; no homozygotes.

Submissions (2):

Labcorp Genetics (formerly Invitae), Labcorp
Classification: Likely benign. Last evaluated: 2025-07-30. Review status: criteria provided, single submitter. Criteria: Invitae Variant Classification Sherloc (09022015). Collection method: clinical testing. Allele origin: germline.

CeGaT Center for Human Genetics Tuebingen
Classification: Likely benign. Last evaluated: 2025-03-01. Review status: criteria provided, single submitter. Criteria: CeGaT Center For Human Genetics Tuebingen Variant Classification Criteria Version 2. Collection method: clinical testing. Allele origin: germline. Affected: yes. Observed: 1 variant allele.
Comment: CAMK2B: BS2

NM_001220.5(CAMK2B):c.1154A>G (p.His385Arg)

Gene: CAMK2B (calcium/calmodulin dependent protein kinase II beta; minus strand). Cytogenetic location: 7p13.
Variant type: single nucleotide variant.
Coding change: c.1154A>G on transcript NM_001220.5 (MANE Select); coding-DNA position 1154, A replaced by G.
Protein change: p.His385Arg; replaces histidine 385 with arginine.
Molecular consequence: missense variant. On other transcripts: intron variant (3).
Genome position (GRCh38, 1-based): chr7:44,232,844, T>C on the plus strand (A>G on the coding strand, the complement: CAMK2B is on the minus strand). VCF-style: chr7-44232844-T-C. GRCh37 (hg19) VCF-style: chr7-44272443-T-C.
Other names: c.1154A>G, p.His385Arg (NM_001293170.2, NM_172078.3); c.1082A>G, p.His361Arg (NM_172079.3, NM_172082.3); c.1079A>G, p.His360Arg (NM_172080.3); c.946+7863A>G (NM_172084.3); c.988-1790A>G (NM_172083.3); c.1059+1546A>G (NM_172081.3); short protein forms H361R, H385R, H360R.
Identifiers: ClinVar variation 2174679 (VCV002174679.11), dbSNP rs1191559981, ClinGen allele CA367376327.